The following is an entry in ClinVar:

ClinVar aggregate classification (germline): Uncertain significance. Review status: criteria provided, multiple submitters, no conflicts (2 of 4 stars). 2 submissions from 2 submitters: Uncertain significance (2). Last evaluated 2025-03-14.

Conditions:
Baller-Gerold syndrome (BGS). Also called: CRANIOSYNOSTOSIS WITH RADIAL DEFECTS. Identifiers: Orphanet 1225, MedGen C0265308, MONDO:0009039, OMIM 218600.
Inborn genetic diseases. Identifiers: MedGen C0950123, MeSH D030342.

Submissions (2):

Ambry Genetics
Classification: Uncertain significance for Inborn genetic diseases. Last evaluated: 2025-03-14. Review status: criteria provided, single submitter. Criteria: Ambry Variant Classification Scheme 2023. Collection method: clinical testing. Allele origin: germline.
Comment: The p.N708K variant (also known as c.2124C>A), located in coding exon 13 of the RECQL4 gene, results from a C to A substitution at nucleotide position 2124. The asparagine at codon 708 is replaced by lysine, an amino acid with similar properties. This amino acid position is conserved. In addition, this alteration is predicted to be tolerated by in silico analysis. Based on the available evidence, the clinical significance of this variant remains unclear.

Labcorp Genetics (formerly Invitae), Labcorp
Classification: Uncertain significance for Baller-Gerold syndrome. Last evaluated: 2020-12-11. Review status: criteria provided, single submitter. Criteria: Invitae Variant Classification Sherloc (09022015). Collection method: clinical testing. Allele origin: germline.
Comment: In summary, the available evidence is currently insufficient to determine the role of this variant in disease. Therefore, it has been classified as a Variant of Uncertain Significance. Experimental studies and prediction algorithms are not available or were not evaluated, and the functional significance of this variant is currently unknown. This variant has not been reported in the literature in individuals with RECQL4-related conditions. This variant is not present in population databases (ExAC no frequency). This sequence change replaces asparagine with lysine at codon 708 of the RECQL4 protein (p.Asn708Lys). The asparagine residue is moderately conserved and there is a moderate physicochemical difference between asparagine and lysine.

NM_004260.4(RECQL4):c.2124C>A (p.Asn708Lys)

Gene: RECQL4 (RecQ like helicase 4; minus strand). Cytogenetic location: 8q24.3.
Variant type: single nucleotide variant.
Coding change: c.2124C>A on transcript NM_004260.4 (MANE Select); coding-DNA position 2124, C replaced by A.
Protein change: p.Asn708Lys; replaces asparagine 708 with lysine.
Molecular consequence: missense variant.
Genome position (GRCh38, 1-based): chr8:144,513,647, G>T on the plus strand (C>A on the coding strand, the complement: RECQL4 is on the minus strand). VCF-style: chr8-144513647-G-T. GRCh37 (hg19) VCF-style: chr8-145739031-G-T.
Other names: c.2124C>A (NM_004260.3); short protein forms N708K.
Identifiers: ClinVar variation 1493004 (VCV001493004.7), dbSNP rs749266091, ClinGen allele CA372679839.